The following is an entry in ClinVar:

NM_025257.3(SLC44A4):c.40+3G>A

Genes: EHMT2-AS1 (EHMT2 and SLC44A4 antisense RNA 1; plus strand), SLC44A4 (solute carrier family 44 member 4; minus strand). Cytogenetic location: 6p21.33.
Variant type: single nucleotide variant.
Coding change: c.40+3G>A on transcript NM_025257.3 (MANE Select); 3 bases into the intron after coding-DNA position 40, G replaced by A.
Molecular consequence: intron variant.
Genome position (GRCh38, 1-based): chr6:31,878,938, C>T on the plus strand (G>A on the coding strand, the complement: SLC44A4 is on the minus strand). VCF-style: chr6-31878938-C-T. GRCh37 (hg19) VCF-style: chr6-31846715-C-T.
Other names: c.40+3G>A (NM_001178044.2).
Identifiers: ClinVar variation 2987931 (VCV002987931.3), dbSNP rs1019352556, ClinGen allele CA136892185.
Genomic context (GRCh38, chr6:31,878,938, plus strand): 5'-CCATTCCCAAAGTACCCGTCCTCCCCTCCCTCCACAGGGTCCCGGGCCTCGCCCCAGTCT[C>T]ACCGTAGGCCTCGTCATCCTCGTCCCGCTGCTTTCCCCCCATGGCTCAGTCTCCGGAGTG-3'

ClinVar aggregate classification (germline): Uncertain significance (1 of 4 stars; one submission).

Allele frequency attached by ClinVar (database versions not stated): gnomAD 0.00001; gnomAD exomes 0.00003; TOPMed 0.00004.
gnomAD v4.1: 48 of 1,613,500 alleles (0.003%); highest among the groups gnomAD compares: Admixed American, 0.0067%; no homozygotes.

Submission:

Labcorp Genetics (formerly Invitae), Labcorp
Classification: Uncertain significance. Last evaluated: 2024-04-03. Review status: criteria provided, single submitter. Criteria: Invitae Variant Classification Sherloc (09022015). Collection method: clinical testing. Allele origin: germline.
Comment: This sequence change falls in intron 1 of the SLC44A4 gene. It does not directly change the encoded amino acid sequence of the SLC44A4 protein. It affects a nucleotide within the consensus splice site. This variant is present in population databases (no rsID available, gnomAD 0.01%). This variant has not been reported in the literature in individuals affected with SLC44A4-related conditions. Variants that disrupt the consensus splice site are a relatively common cause of aberrant splicing (PMID: 17576681, 9536098). Algorithms developed to predict the effect of sequence changes on RNA splicing suggest that this variant is not likely to affect RNA splicing. In summary, the available evidence is currently insufficient to determine the role of this variant in disease. Therefore, it has been classified as a Variant of Uncertain Significance.

Literature cited by the submitters: PubMed 17576681; PubMed 9536098.